The following is an entry in ClinVar:

ClinVar aggregate classification (germline): Uncertain significance. Review status: criteria provided, multiple submitters, no conflicts (2 of 4 stars). 3 submissions from 3 submitters: Uncertain significance (3). Last evaluated 2026-05-04.

Conditions:
Inborn genetic diseases. Identifiers: MedGen C0950123, MeSH D030342.
Hereditary sensory and autonomic neuropathy type 7. Also called: HSAN VII; Neuropathy, hereditary sensory and autonomic, type VII. Identifiers: Orphanet 391397, MedGen C3809882, MONDO:0014244, OMIM 615548.
Familial episodic pain syndrome with predominantly lower limb involvement. Also called: Episodic pain syndrome, familial, 3. Identifiers: Orphanet 391384, Orphanet 391392, MedGen C3809899, MONDO:0014247, OMIM 615552.
SCN11A-related disorder. Also called: SCN11A-related condition.

Allele frequency attached by ClinVar (database versions not stated): ExAC 0.00002; gnomAD exomes 0.00002 and 0.00004; gnomAD 0.00003 and 0.00004; TOPMed 0.00003; ESP Exome Variant Server 0.00008.
gnomAD v4.1: 66 of 1,613,510 alleles (0.0041%); highest among the groups gnomAD compares: Non-Finnish European, 0.0053%; no homozygotes.

Submissions (3):

PreventionGenetics, part of Exact Sciences
Classification: Uncertain significance for SCN11A-related condition. Last evaluated: 2026-05-04. Review status: criteria provided, single submitter. Criteria: ACMG Guidelines, 2015. Collection method: clinical testing. Allele origin: germline.
Comment: The SCN11A c.3911T>C variant is predicted to result in the amino acid substitution p.Ile1304Thr. To our knowledge, this variant has not been reported in the literature. This variant is reported in 0.0047% of alleles in individuals of European (non-Finnish) descent in gnomAD. At this time, the clinical significance of this variant is uncertain due to the absence of conclusive functional and genetic evidence.

Labcorp Genetics (formerly Invitae), Labcorp
Classification: Uncertain significance for Familial episodic pain syndrome with predominantly lower limb involvement; Hereditary sensory and autonomic neuropathy type 7. Last evaluated: 2025-03-09. Review status: criteria provided, single submitter. Criteria: Invitae Variant Classification Sherloc (09022015). Collection method: clinical testing. Allele origin: germline.
Comment: This sequence change replaces isoleucine, which is neutral and non-polar, with threonine, which is neutral and polar, at codon 1304 of the SCN11A protein (p.Ile1304Thr). This variant is present in population databases (rs376861071, gnomAD 0.004%). This variant has not been reported in the literature in individuals affected with SCN11A-related conditions. ClinVar contains an entry for this variant (Variation ID: 1425311). Invitae Evidence Modeling of protein sequence and biophysical properties (such as structural, functional, and spatial information, amino acid conservation, physicochemical variation, residue mobility, and thermodynamic stability) indicates that this missense variant is not expected to disrupt SCN11A protein function with a negative predictive value of 80%. In summary, the available evidence is currently insufficient to determine the role of this variant in disease. Therefore, it has been classified as a Variant of Uncertain Significance.

Ambry Genetics
Classification: Uncertain significance for Inborn genetic diseases. Last evaluated: 2022-01-27. Review status: criteria provided, single submitter. Criteria: Ambry Variant Classification Scheme 2023. Collection method: clinical testing. Allele origin: germline.

NM_001349253.2(SCN11A):c.3911T>C (p.Ile1304Thr)

Gene: SCN11A (sodium voltage-gated channel alpha subunit 11; minus strand). Cytogenetic location: 3p22.2.
Variant type: single nucleotide variant.
Coding change: c.3911T>C on transcript NM_001349253.2 (MANE Select); coding-DNA position 3911, T replaced by C.
Protein change: p.Ile1304Thr; replaces isoleucine 1304 with threonine.
Molecular consequence: missense variant.
Genome position (GRCh38, 1-based): chr3:38,867,361, A>G on the plus strand (T>C on the coding strand, the complement: SCN11A is on the minus strand). VCF-style: chr3-38867361-A-G. GRCh37 (hg19) VCF-style: chr3-38908852-A-G.
Other names: c.3911T>C, p.Ile1304Thr (NM_014139.3); c.3911T>C (NM_014139.2); short protein forms I1304T.
Identifiers: ClinVar variation 1425311 (VCV001425311.8), dbSNP rs376861071, ClinGen allele CA2321665.
Genomic context (GRCh38, chr3:38,867,361, plus strand): 5'-AAGACAACCCAGATACTTATCTTTTTCTGCTGTTGGTTGAAGTTGTCAATGATAACGCCA[A>G]TGAAGAGATTCAGAGTGAAGAATGAGCCAAAGATGATAAAGACTACGAAGTAAATGTAAC-3'
Protein context (NP_001336182.1, residues 1294-1314): FGSFFTLNLF[Ile1304Thr]GVIIDNFNQQ